The following is an entry in ClinVar:

ClinVar aggregate classification (germline): Benign. Review status: criteria provided, multiple submitters, no conflicts (2 of 4 stars). 2 submissions from 2 submitters: Benign (2). Last evaluated 2017-05-09.

Allele frequency attached by ClinVar (database versions not stated): TOPMed 0.19640; ESP Exome Variant Server 0.20023; 1000 Genomes Project 30x 0.20753; gnomAD 0.20762 and 0.21226; 1000 Genomes Project 0.21386; gnomAD exomes 0.22714 and 0.22824; ExAC 0.34307.
gnomAD v4.1: 358,329 of 1,580,100 alleles (23%); highest among the groups gnomAD compares: Middle Eastern, 32%; 42,200 homozygotes.

Submissions (2):

GeneDx
Classification: Benign. Last evaluated: 2017-05-09. Review status: criteria provided, single submitter. Criteria: GeneDx Variant Classification (06012015). Collection method: clinical testing. Allele origin: germline. Affected: yes.
Comment: This variant is considered likely benign or benign based on one or more of the following criteria: it is a conservative change, it occurs at a poorly conserved position in the protein, it is predicted to be benign by multiple in silico algorithms, and/or has population frequency not consistent with disease.

Breakthrough Genomics
Classification: Benign. Review status: criteria provided, single submitter. Criteria: ACMG Guidelines, 2015. Collection method: not provided. Allele origin: germline. Inheritance: Unknown mechanism. Affected: yes.

NM_030770.4(TMPRSS5):c.42G>A (p.Gln14=)

Gene: TMPRSS5 (transmembrane serine protease 5; minus strand). Cytogenetic location: 11q23.2.
Variant type: single nucleotide variant.
Coding change: c.42G>A on transcript NM_030770.4 (MANE Select); coding-DNA position 42, G replaced by A.
Protein change: p.Gln14=; no amino-acid change (glutamine 14 retained).
Molecular consequence: synonymous variant. On other transcripts: 5 prime UTR variant (1), intron variant (2).
Genome position (GRCh38, 1-based): chr11:113,700,130, C>T on the plus strand (G>A on the coding strand, the complement: TMPRSS5 is on the minus strand). VCF-style: chr11-113700130-C-T. GRCh37 (hg19) VCF-style: chr11-113570852-C-T.
Other names: c.-90G>A (NM_001288751.2); c.42G>A, p.Gln14= (NM_001288752.2); c.-26-437G>A (NM_001288749.2, NM_001288750.2).
Identifiers: ClinVar variation 508106 (VCV000508106.2), dbSNP rs3802854, ClinGen allele CA6281947.